The following is an entry in ClinVar:

NM_001370959.1(POU6F2):c.379A>C (p.Thr127Pro)

Gene: POU6F2 (POU class 6 homeobox 2; plus strand). Cytogenetic location: 7p14.1.
Variant type: single nucleotide variant.
Coding change: c.379A>C on transcript NM_001370959.1 (MANE Select); coding-DNA position 379, A replaced by C.
Protein change: p.Thr127Pro; replaces threonine 127 with proline.
Molecular consequence: missense variant.
Genome position (GRCh38, 1-based): chr7:39,207,401, A>C. VCF-style: chr7-39207401-A-C. GRCh37 (hg19) VCF-style: chr7-39247000-A-C.
Other names: c.292A>C, p.Thr98Pro (NM_001166018.2, NM_007252.4); short protein forms T127P, T98P.
Identifiers: ClinVar variation 4885045 (VCV004885045.2).

ClinVar aggregate classification (germline): Uncertain significance (1 of 4 stars; one submission).

gnomAD v4.1: 8 of 1,613,684 alleles (0.0005%); highest among the groups gnomAD compares: Non-Finnish European, 0.00068%; no homozygotes.

Submission:

Dasa
Classification: Uncertain significance. Last evaluated: 2025-05-23. Review status: criteria provided, single submitter. Criteria: DASA Assertion Criteria. Collection method: clinical testing. Allele origin: germline.
Comment: NM_001370959.1(POU6F2):c.379A>C (p.Thr127Pro) is a missense variant that results in the substitution of threonine with proline. This variant is rare in population databases. The currently available literature and clinical evidence are not sufficient to establish a definitive association between this variant and the reported condition. Therefore, this variant is classified as a variant of uncertain significance.